The following is an entry in ClinVar:

ClinVar aggregate classification (germline): Uncertain significance (1 of 4 stars; one submission).

Allele frequency attached by ClinVar (database versions not stated): gnomAD exomes 0.00001.
gnomAD v4.1: 3 of 1,613,976 alleles (0.00019%); highest among the groups gnomAD compares: Non-Finnish European, 0.00025%; no homozygotes.

Submission:

Labcorp Genetics (formerly Invitae), Labcorp
Classification: Uncertain significance. Last evaluated: 2025-05-16. Review status: criteria provided, single submitter. Criteria: Invitae Variant Classification Sherloc (09022015). Collection method: clinical testing. Allele origin: germline.
Comment: This sequence change replaces leucine, which is neutral and non-polar, with proline, which is neutral and non-polar, at codon 247 of the DVL1 protein (p.Leu247Pro). This variant is not present in population databases (gnomAD no frequency). This variant has not been reported in the literature in individuals affected with DVL1-related conditions. ClinVar contains an entry for this variant (Variation ID: 1928506). Invitae Evidence Modeling of protein sequence and biophysical properties (such as structural, functional, and spatial information, amino acid conservation, physicochemical variation, residue mobility, and thermodynamic stability) indicates that this missense variant is expected to disrupt DVL1 protein function with a positive predictive value of 80%. In summary, the available evidence is currently insufficient to determine the role of this variant in disease. Therefore, it has been classified as a Variant of Uncertain Significance.

NM_001330311.2(DVL1):c.740T>C (p.Leu247Pro)

Gene: DVL1 (dishevelled segment polarity protein 1; minus strand). Cytogenetic location: 1p36.33.
Variant type: single nucleotide variant.
Coding change: c.740T>C on transcript NM_001330311.2 (MANE Select); coding-DNA position 740, T replaced by C.
Protein change: p.Leu247Pro; replaces leucine 247 with proline.
Molecular consequence: missense variant.
Genome position (GRCh38, 1-based): chr1:1,340,276, A>G on the plus strand (T>C on the coding strand, the complement: DVL1 is on the minus strand). VCF-style: chr1-1340276-A-G. GRCh37 (hg19) VCF-style: chr1-1275656-A-G.
Other names: c.740T>C, p.Leu247Pro (NM_004421.3); short protein forms L247P.
Identifiers: ClinVar variation 1928506 (VCV001928506.5), dbSNP rs2523177715, ClinGen allele CA337870531.